The following is an entry in ClinVar:

NM_001040716.2(PC):c.2120C>T (p.Thr707Met)

Gene: PC (pyruvate carboxylase; minus strand). Cytogenetic location: 11q13.2.
Variant type: single nucleotide variant.
Coding change: c.2120C>T on transcript NM_001040716.2 (MANE Select); coding-DNA position 2120, C replaced by T.
Protein change: p.Thr707Met; replaces threonine 707 with methionine.
Molecular consequence: missense variant.
Genome position (GRCh38, 1-based): chr11:66,851,143, G>A on the plus strand (C>T on the coding strand, the complement: PC is on the minus strand). VCF-style: chr11-66851143-G-A. GRCh37 (hg19) VCF-style: chr11-66618614-G-A.
Other names: c.2120C>T, p.Thr707Met (NM_000920.4, NM_022172.3); short protein forms T707M.
Identifiers: ClinVar variation 3366456 (VCV003366456.1).

ClinVar aggregate classification (germline): Uncertain significance (1 of 4 stars; one submission).

Submission:

Women's Health and Genetics/Laboratory Corporation of America, LabCorp
Classification: Uncertain significance. Last evaluated: 2024-08-06. Review status: criteria provided, single submitter. Criteria: LabCorp Variant Classification Summary - May 2015. Collection method: clinical testing. Allele origin: germline.
Comment: Variant summary: PC c.2120C>T (p.Thr707Met) results in a non-conservative amino acid change located in the Pyruvate carboxyltransferase domain (IPR000891) of the encoded protein sequence. Five of five in-silico tools predict a damaging effect of the variant on protein function. The variant allele was found at a frequency of 2.5e-06 in 1612432 control chromosomes. The available data on variant occurrences in the general population are insufficient to allow any conclusion about variant significance. c.2120C>T has been reported in the literature in at least one compound heterozygous individual affected with Pyruvate Carboxylase Deficiency (e.g., Kohda_2016). These data do not allow any conclusion about variant significance. To our knowledge, no experimental evidence demonstrating an impact on protein function has been reported. The following publication has been ascertained in the context of this evaluation (PMID: 26741492). No submitters have cited clinical-significance assessments for this variant to ClinVar. Based on the evidence outlined above, the variant was classified as uncertain significance.

Literature cited by the submitters: PubMed 26741492.